The following is an entry in ClinVar:

ClinVar aggregate classification (germline): Benign/Likely benign. Review status: criteria provided, multiple submitters, no conflicts (2 of 4 stars). 3 submissions from 3 submitters: Benign (1); Likely benign (2). Last evaluated 2026-06-30.

Conditions:
Hereditary cancer-predisposing syndrome. Also called: Hereditary Cancer Syndrome; Tumor predisposition; Neoplastic Syndromes, Hereditary; Hereditary neoplastic syndrome. Identifiers: Orphanet 140162, MedGen C0027672, MeSH D009386, MONDO:0015356.
Hereditary diffuse gastric adenocarcinoma (HDGC). Also called: DIFFUSE GASTRIC AND LOBULAR BREAST CANCER SYNDROME. Identifiers: Orphanet 26106, MedGen C1708349, MONDO:0007648, OMIM 137215.

Submissions (3):

Ambry Genetics
Classification: Likely benign for Hereditary cancer-predisposing syndrome. Last evaluated: 2026-06-30. Review status: criteria provided, single submitter. Criteria: Ambry Variant Classification Scheme 2023. Collection method: clinical testing. Allele origin: germline.

Myriad Genetics, Inc.
Classification: Benign for Hereditary diffuse gastric adenocarcinoma. Last evaluated: 2024-09-23. Review status: criteria provided, single submitter. Criteria: Myriad Autosomal Dominant, Autosomal Recessive and X-Linked Classification Criteria (2023). Collection method: clinical testing. Allele origin: unknown.
Comment: This variant is considered benign. This variant is a silent/synonymous amino acid change and it is not expected to impact splicing.

Labcorp Genetics (formerly Invitae), Labcorp
Classification: Likely benign for Hereditary diffuse gastric adenocarcinoma. Last evaluated: 2021-05-08. Review status: criteria provided, single submitter. Criteria: Invitae Variant Classification Sherloc (09022015). Collection method: clinical testing. Allele origin: germline.

NM_004360.5(CDH1):c.2367A>G (p.Pro789=)

Gene: CDH1 (cadherin 1; plus strand). Cytogenetic location: 16q22.1.
Variant type: single nucleotide variant.
Coding change: c.2367A>G on transcript NM_004360.5 (MANE Select); coding-DNA position 2367, A replaced by G.
Protein change: p.Pro789=; no amino-acid change (proline 789 retained).
Molecular consequence: synonymous variant.
Genome position (GRCh38, 1-based): chr16:68,829,725, A>G. VCF-style: chr16-68829725-A-G. GRCh37 (hg19) VCF-style: chr16-68863628-A-G.
Other names: c.2184A>G, p.Pro728= (NM_001317184.2); c.819A>G, p.Pro273= (NM_001317185.2); c.402A>G, p.Pro134= (NM_001317186.2); c.2367A>G (NM_004360.3).
Identifiers: ClinVar variation 1543086 (VCV001543086.10), dbSNP rs2152142342, ClinGen allele CA496157443.
Genomic context (GRCh38, chr16:68,829,725, plus strand): 5'-GAGCCAGCTGCACAGGGGCCTGGACGCTCGGCCTGAAGTGACTCGTAACGACGTTGCACC[A>G]ACCCTCATGAGTGTCCCCCGGTATCTTCCCCGCCCTGCCAATCCCGATGAAATTGGAAAT-3'
Protein context (NP_004351.1, residues 779-799): RPEVTRNDVA[Pro789=]TLMSVPRYLP